The following is an entry in ClinVar:

ClinVar aggregate classification (germline): Conflicting classifications of pathogenicity. Review status: criteria provided, conflicting classifications (1 of 4 stars). 5 submissions from 5 submitters: Likely pathogenic (2); Uncertain significance (2). 1 of the submissions does not count toward it. Last evaluated 2025-03-04.

Conditions:
Inborn genetic diseases. Identifiers: MedGen C0950123, MeSH D030342.

Allele frequency attached by ClinVar (database versions not stated): gnomAD exomes below 0.00001.
gnomAD v4.1: 2 of 1,614,078 alleles (0.00012%); highest among the groups gnomAD compares: East Asian, 0.0022%; no homozygotes.

Submissions (5):

Center for Genomic Medicine, Rigshospitalet, Copenhagen University Hospital
Classification: Likely pathogenic. Last evaluated: 2025-03-04. Review status: criteria provided, single submitter. Criteria: ACMG Guidelines, 2015. Collection method: clinical testing. Allele origin: germline.

GeneDx
Classification: Uncertain significance. Last evaluated: 2022-12-28. Review status: criteria provided, single submitter. Criteria: GeneDx Variant Classification Process June 2021. Collection method: clinical testing. Allele origin: germline. Affected: yes.
Comment: Not observed at significant frequency in large population cohorts (gnomAD); In silico analysis supports that this missense variant has a deleterious effect on protein structure/function; This variant is associated with the following publications: (PMID: 34622103, 30586318)

Labcorp Genetics (formerly Invitae), Labcorp
Classification: Uncertain significance. Last evaluated: 2022-09-05. Review status: criteria provided, single submitter. Criteria: Invitae Variant Classification Sherloc (09022015). Collection method: clinical testing. Allele origin: germline.
Comment: Algorithms developed to predict the effect of missense changes on protein structure and function (SIFT, PolyPhen-2, Align-GVGD) all suggest that this variant is likely to be disruptive. ClinVar contains an entry for this variant (Variation ID: 562335). This variant has not been reported in the literature in individuals affected with KLHL3-related conditions. This variant is not present in population databases (gnomAD no frequency). This sequence change replaces arginine, which is basic and polar, with glutamine, which is neutral and polar, at codon 360 of the KLHL3 protein (p.Arg360Gln). In summary, the available evidence is currently insufficient to determine the role of this variant in disease. Therefore, it has been classified as a Variant of Uncertain Significance.

Ambry Genetics
Classification: Likely pathogenic for Inborn genetic diseases. Last evaluated: 2020-03-26. Review status: criteria provided, single submitter. Criteria: Ambry Variant Classification Scheme 2023. Collection method: clinical testing. Allele origin: germline.
Comment: The alteration results in an amino acid change:_x000D_ _x000D_ The c.1079G>A (p.R360Q) alteration is located in coding exon 10 of the KLHL3 gene. This alteration results from a G to A substitution at nucleotide position 1079, causing the arginine (R) at amino acid position 360 to be replaced by a glutamine (Q). The alteration is not observed in population databases: _x000D_ _x000D_ Based on data from the Genome Aggregation Database (gnomAD), the KLHL3 c.1079G>A alteration was not observed, with coverage at this position. The altered amino acid is conserved throughout evolution:_x000D_ _x000D_ The p.R360 amino acid is conserved in available vertebrate species. The amino acid is located in a functionally important protein domain:_x000D_ _x000D_ Based on internal structural analysis, the p.R360Q alteration results in disruption of the WNK4 peptide interaction (Schumacher, 2014). The alteration is predicted inconclusive by in silico modeling:_x000D_ _x000D_ The in silico prediction for the p.R360Q alteration is inconclusive. Based on the available evidence, this alteration is classified as likely pathogenic.

Gharavi Laboratory, Columbia University
Classification: Likely pathogenic. Last evaluated: 2018-09-16. Review status: no assertion criteria provided. Criteria: ACMG Guidelines, 2015. Collection method: research. Allele origin: germline. Affected: yes. Not counted in ClinVar's aggregate classification.

Literature cited by the submitters: PubMed 34622103 (cited by Center for Genomic Medicine, Rigshospitalet, Copenhagen University Hospital); PubMed 30586318 (cited by Center for Genomic Medicine, Rigshospitalet, Copenhagen University Hospital); PubMed 24641320 (cited by Ambry Genetics).

NM_017415.3(KLHL3):c.1079G>A (p.Arg360Gln)

Gene: KLHL3 (kelch like family member 3; minus strand). Cytogenetic location: 5q31.2.
Variant type: single nucleotide variant.
Coding change: c.1079G>A on transcript NM_017415.3 (MANE Select); coding-DNA position 1079, G replaced by A.
Protein change: p.Arg360Gln; replaces arginine 360 with glutamine.
Molecular consequence: missense variant.
Genome position (GRCh38, 1-based): chr5:137,639,093, C>T on the plus strand (G>A on the coding strand, the complement: KLHL3 is on the minus strand). VCF-style: chr5-137639093-C-T. GRCh37 (hg19) VCF-style: chr5-136974782-C-T.
Other names: c.983G>A, p.Arg328Gln (NM_001257194.1); c.833G>A, p.Arg278Gln (NM_001257195.2); short protein forms R360Q, R328Q, R278Q.
Identifiers: ClinVar variation 562335 (VCV000562335.15), dbSNP rs1561586322, ClinGen allele CA361048275.
Genomic context (GRCh38, chr5:137,639,093, plus strand): 5'-ATGCTGGCAATGGACGTCCACTGGTCCTTCACGCCGTCATACACATCCACTGTCCGCACC[C>T]GCAGTGAGCCATTAAACCCTCCCACGGCATACACGTGGCCAGCCATGAACACCACACCTG-3'
Protein context (NP_059111.2, residues 350-370): YAVGGFNGSL[Arg360Gln]VRTVDVYDGV